The following is an entry in ClinVar:

ClinVar aggregate classification (germline): Uncertain significance (1 of 4 stars; one submission).

Conditions:
Cardiovascular phenotype. Identifiers: MedGen CN230736.

Submission:

Ambry Genetics
Classification: Uncertain significance for Cardiovascular phenotype. Last evaluated: 2026-04-11. Review status: criteria provided, single submitter. Criteria: Ambry Variant Classification Scheme 2023. Collection method: clinical testing. Allele origin: germline.
Comment: The p.E426G variant (also known as c.1277A>G), located in coding exon 4 of the BAG3 gene, results from an A to G substitution at nucleotide position 1277. The glutamic acid at codon 426 is replaced by glycine, an amino acid with similar properties. This amino acid position is conserved. In addition, the in silico prediction for this alteration is inconclusive. Based on the available evidence, the clinical significance of this variant remains unclear.

NM_004281.4(BAG3):c.1277A>G (p.Glu426Gly)

Gene: BAG3 (BAG cochaperone 3; plus strand). Cytogenetic location: 10q26.11.
Variant type: single nucleotide variant.
Coding change: c.1277A>G on transcript NM_004281.4 (MANE Select); coding-DNA position 1277, A replaced by G.
Protein change: p.Glu426Gly; replaces glutamic acid 426 with glycine.
Molecular consequence: missense variant.
Genome position (GRCh38, 1-based): chr10:119,676,831, A>G. VCF-style: chr10-119676831-A-G. GRCh37 (hg19) VCF-style: chr10-121436343-A-G.
Other names: short protein forms E426G.
Identifiers: ClinVar variation 4867328 (VCV004867328.1).
Genomic context (GRCh38, chr10:119,676,831, plus strand): 5'-CACCTCCAAAACCAGGAGAAGCCGAGGCTCCCCCAAAACATCCAGGAGTGCTGAAAGTGG[A>G]AGCCATCCTGGAGAAGGTACAGGGGCTGGAGCAGGCTGTAGACAACTTTGAAGGCAAGAA-3'
Protein context (NP_004272.2, residues 416-436): PPKHPGVLKV[Glu426Gly]AILEKVQGLE